The following is an entry in ClinVar:

ClinVar aggregate classification (germline): Uncertain significance (1 of 4 stars; one submission).

Conditions:
GLUT1 deficiency syndrome 1, autosomal recessive. Identifiers: MedGen C3149117.

Submission:

Labcorp Genetics (formerly Invitae), Labcorp
Classification: Uncertain significance for GLUT1 deficiency syndrome 1, autosomal recessive. Last evaluated: 2022-09-30. Review status: criteria provided, single submitter. Criteria: Invitae Variant Classification Sherloc (09022015). Collection method: clinical testing. Allele origin: germline.
Comment: In summary, the available evidence is currently insufficient to determine the role of this variant in disease. Therefore, it has been classified as a Variant of Uncertain Significance. Experimental studies have shown that this missense change affects SLC2A1 function (PMID: 21069159). Advanced modeling of protein sequence and biophysical properties (such as structural, functional, and spatial information, amino acid conservation, physicochemical variation, residue mobility, and thermodynamic stability) performed at Invitae indicates that this missense variant is expected to disrupt SLC2A1 protein function. This variant has not been reported in the literature in individuals affected with SLC2A1-related conditions. This variant is not present in population databases (gnomAD no frequency). This sequence change replaces serine, which is neutral and polar, with tyrosine, which is neutral and polar, at codon 66 of the SLC2A1 protein (p.Ser66Tyr).

Literature cited by the submitters: PubMed 21069159.

NM_006516.4(SLC2A1):c.197C>A (p.Ser66Tyr)

Gene: SLC2A1 (solute carrier family 2 member 1; minus strand). Cytogenetic location: 1p34.2.
Variant type: single nucleotide variant.
Coding change: c.197C>A on transcript NM_006516.4 (MANE Select); coding-DNA position 197, C replaced by A.
Protein change: p.Ser66Tyr; replaces serine 66 with tyrosine.
Molecular consequence: missense variant.
Genome position (GRCh38, 1-based): chr1:42,931,124, G>T on the plus strand (C>A on the coding strand, the complement: SLC2A1 is on the minus strand). VCF-style: chr1-42931124-G-T. GRCh37 (hg19) VCF-style: chr1-43396795-G-T.
Other names: short protein forms S66Y.
Identifiers: ClinVar variation 2031675 (VCV002031675.4), dbSNP rs80359813, ClinGen allele CA339962070.